The following is an entry in ClinVar:

ClinVar aggregate classification (germline): Likely pathogenic (1 of 4 stars; one submission).

Conditions:
Megalencephalic leukoencephalopathy with subcortical cysts 1 (MLC1). Also called: VACUOLATING MEGALENCEPHALIC LEUKOENCEPHALOPATHY WITH SUBCORTICAL CYSTS; LEUKOENCEPHALOPATHY WITH SWELLING AND CYSTS. Identifiers: Orphanet 2478, MedGen C5779875, MONDO:0024555, OMIM 604004.

Submission:

Myriad Genetics, Inc.
Classification: Likely pathogenic for Megalencephalic leukoencephalopathy with subcortical cysts 1. Last evaluated: 2022-03-31. Review status: criteria provided, single submitter. Criteria: Myriad Women's Health Autosomal Recessive and X-Linked Classification Criteria (2021). Collection method: clinical testing. Allele origin: unknown.
Comment: NM_015166.3(MLC1):c.592delT(Y198Tfs*6) is expected to be pathogenic in the context of megalencephalic leukoencephalopathy with subcortical cysts. This variant is predicted to lead to an abnormal or absent protein product due to the creation of a premature termination codon in MLC1, a gene where loss-of-function variants are known to be pathogenic. Please note: this variant was assessed in the context of healthy population screening.

NM_015166.4(MLC1):c.592del (p.Tyr198fs)

Gene: MLC1 (modulator of VRAC current 1; minus strand). Cytogenetic location: 22q13.33.
Variant type: Deletion.
Coding change: c.592del on transcript NM_015166.4 (MANE Select); coding-DNA position 592, one base deleted (T; older notation c.592delT).
Protein change: p.Tyr198fs; shifts the reading frame from tyrosine 198.
Molecular consequence: frameshift variant. On other transcripts: non-coding transcript variant (3).
Genome position (GRCh38, 1-based): chr22:50,076,846, A deleted on the plus strand (T on the coding strand, the reverse complement: MLC1 is on the minus strand); the first of 2 consecutive A bases (chr22:50,076,846-50,076,847); deleting either gives the same sequence. VCF-style (leftmost placement, unchanged base first): chr22-50076845-TA-T. GRCh37 (hg19) VCF-style: chr22-50515274-TA-T.
Other names: c.592del, p.Tyr198fs (NM_001376472.1, NM_001376473.1, NM_001376474.1 and 6 more transcripts); c.502del, p.Tyr168fs (NM_001376480.1); c.490del, p.Tyr164fs (NM_001376481.1); c.436del, p.Tyr146fs (NM_001376482.1, NM_001376483.1); c.355del, p.Tyr119fs (NM_001376484.1); short protein forms Y119fs, Y146fs, Y164fs, Y168fs, Y198fs.
Identifiers: ClinVar variation 1725746 (VCV001725746.2), dbSNP rs2061993910, ClinGen allele CA2410654319.